The following is an entry in ClinVar:

NM_020812.4(DOCK6):c.2239G>C (p.Val747Leu)

Gene: DOCK6 (dedicator of cytokinesis 6; minus strand). Cytogenetic location: 19p13.2.
Variant type: single nucleotide variant.
Coding change: c.2239G>C on transcript NM_020812.4 (MANE Select); coding-DNA position 2239, G replaced by C.
Protein change: p.Val747Leu; replaces valine 747 with leucine.
Molecular consequence: missense variant.
Genome position (GRCh38, 1-based): chr19:11,236,499, C>G on the plus strand (G>C on the coding strand, the complement: DOCK6 is on the minus strand). VCF-style: chr19-11236499-C-G. GRCh37 (hg19) VCF-style: chr19-11347175-C-G.
Other names: c.2239G>C, p.Val747Leu (NM_001367830.1); short protein forms V747L.
Identifiers: ClinVar variation 1947206 (VCV001947206.5), dbSNP rs780945102, ClinGen allele CA9207693.

ClinVar aggregate classification (germline): Uncertain significance (1 of 4 stars; one submission).

Allele frequency attached by ClinVar (database versions not stated): ExAC 0.00002.
gnomAD v4.1: 9 of 1,604,012 alleles (0.00056%); highest among the groups gnomAD compares: Admixed American, 0.014%; no homozygotes.

Submission:

Labcorp Genetics (formerly Invitae), Labcorp
Classification: Uncertain significance. Last evaluated: 2023-10-03. Review status: criteria provided, single submitter. Criteria: Invitae Variant Classification Sherloc (09022015). Collection method: clinical testing. Allele origin: germline.
Comment: This sequence change replaces valine, which is neutral and non-polar, with leucine, which is neutral and non-polar, at codon 747 of the DOCK6 protein (p.Val747Leu). This variant is present in population databases (rs780945102, gnomAD 0.02%). This variant has not been reported in the literature in individuals affected with DOCK6-related conditions. ClinVar contains an entry for this variant (Variation ID: 1947206). Advanced modeling of protein sequence and biophysical properties (such as structural, functional, and spatial information, amino acid conservation, physicochemical variation, residue mobility, and thermodynamic stability) has been performed at Invitae for this missense variant, however the output from this modeling did not meet the statistical confidence thresholds required to predict the impact of this variant on DOCK6 protein function. In summary, the available evidence is currently insufficient to determine the role of this variant in disease. Therefore, it has been classified as a Variant of Uncertain Significance.